The following is an entry in ClinVar:

ClinVar aggregate classification (germline): Conflicting classifications of pathogenicity. Review status: criteria provided, conflicting classifications (1 of 4 stars). 2 submissions from 2 submitters: Uncertain significance (1); Likely benign (1). Last evaluated 2023-03-23.

Conditions:
Hereditary cancer-predisposing syndrome. Also called: Neoplastic Syndromes, Hereditary; Tumor predisposition; Hereditary Cancer Syndrome; Hereditary neoplastic syndrome. Identifiers: Orphanet 140162, MedGen C0027672, MeSH D009386, MONDO:0015356.

Allele frequency attached by ClinVar (database versions not stated): gnomAD exomes below 0.00001.

Submissions (2):

University of Washington Department of Laboratory Medicine, University of Washington
Classification: Likely benign for Hereditary cancer-predisposing syndrome. Last evaluated: 2023-03-23. Review status: criteria provided, single submitter. Criteria: Dines et al. (Genet Med. 2020). Collection method: curation. Allele origin: germline.
Comment: Missense variant in a coldspot region where missense variants are very unlikely to be pathogenic (PMID:31911673).

BRCA2 exon 11 coldspot. Reclassification based on statistical prior probability.

Ambry Genetics
Classification: Uncertain significance for Hereditary cancer-predisposing syndrome. Last evaluated: 2015-02-25. Review status: criteria provided, single submitter. Criteria: Ambry Variant Classification Scheme 2023. Collection method: clinical testing. Allele origin: germline.
Comment: The p.K1406E variant (also known as c.4216A>G or 4444A>G), located in coding exon 10 of the BRCA2 gene, results from an A to G substitution at nucleotide position 4216. The lysine at codon 1406 is replaced by glutamic acid, an amino acid with similar properties. This variant was not reported in population based cohorts in the following databases: Database of Single Nucleotide Polymorphisms (dbSNP), NHLBI Exome Sequencing Project (ESP), and 1000 Genomes Project. In the ESP, this variant was not observed in 6489 samples (12978 alleles) with coverage at this position. To date, this alteration has been detected with an allele frequency of approximately 0.001% (greater than 105000 alleles tested) in our clinical cohort. Based on protein sequence alignment, this amino acid position is poorly conserved in available vertebrate species. In addition, this alteration is predicted to be tolerated by in silico analysis. Since supporting evidence is limited at this time, the clinical significance of p.K1406E remains unclear.

NM_000059.4(BRCA2):c.4216A>G (p.Lys1406Glu)

Gene: BRCA2 (BRCA2 DNA repair associated; plus strand). Cytogenetic location: 13q13.1.
Variant type: single nucleotide variant.
Coding change: c.4216A>G on transcript NM_000059.4 (MANE Select); coding-DNA position 4216, A replaced by G.
Protein change: p.Lys1406Glu; replaces lysine 1406 with glutamic acid.
Molecular consequence: missense variant.
Genome position (GRCh38, 1-based): chr13:32,338,571, A>G. VCF-style: chr13-32338571-A-G. GRCh37 (hg19) VCF-style: chr13-32912708-A-G.
Other names: short protein forms K1406E.
Identifiers: ClinVar variation 230734 (VCV000230734.7), dbSNP rs876658735, ClinGen allele CA10579604.